The following is an entry in ClinVar:

NM_001142864.4(PIEZO1):c.3416G>T (p.Arg1139Leu)

Gene: PIEZO1 (piezo type mechanosensitive ion channel component 1 (Er blood group); minus strand). Cytogenetic location: 16q24.3.
Variant type: single nucleotide variant.
Coding change: c.3416G>T on transcript NM_001142864.4 (MANE Select); coding-DNA position 3416, G replaced by T.
Protein change: p.Arg1139Leu; replaces arginine 1139 with leucine.
Molecular consequence: missense variant.
Genome position (GRCh38, 1-based): chr16:88,727,078, C>A on the plus strand (G>T on the coding strand, the complement: PIEZO1 is on the minus strand). VCF-style: chr16-88727078-C-A. GRCh37 (hg19) VCF-style: chr16-88793486-C-A.
Other names: p.Arg1139Leu; short protein forms R1139L.
Identifiers: ClinVar variation 4279855 (VCV004279855.2).

ClinVar aggregate classification (germline): Uncertain significance. Review status: criteria provided, multiple submitters, no conflicts (2 of 4 stars). 2 submissions from 2 submitters: Uncertain significance (2). Last evaluated 2025-10-07.

Conditions:
Lymphatic malformation 6 (LMPHM6). Also called: PIEZO1-related generalized lymphatic dysplasia with non-immune hydrops fetalis; GENERALIZED LYMPHATIC DYSPLASIA OF FOTIOU; Lymphedema, hereditary, III. Identifiers: Orphanet 568062, MedGen C4225184, MONDO:0014797, OMIM 616843.

Submissions (2):

Mayo Clinic Laboratories, Mayo Clinic
Classification: Uncertain significance. Last evaluated: 2025-10-07. Review status: criteria provided, single submitter. Criteria: ACMG Guidelines, 2015. Collection method: clinical testing. Allele origin: germline. Observed: 1 variant allele.
Comment: BP4_moderate

Clinical Genomics Laboratory, Washington University in St. Louis
Classification: Uncertain significance for Lymphatic malformation 6. Last evaluated: 2025-07-22. Review status: criteria provided, single submitter. Criteria: ACMG Guidelines, 2015. Collection method: clinical testing. Allele origin: germline.
Comment: A PIEZO1 c.3416G>T(p.Arg1139Leu) variant was identified at a heterozygous allelic fraction of 51.8%, a frequency which may be consistent with it being of germline origin. This variant, to our knowledge, has not been reported in the medical literature and is only observed on 45/1,549,580 alleles in the general population (gnomAD v4.1.0), indicating it is not a common variant. Computational predictors suggest that the variant does not impact PIEZO1 function. Due to limited information, and based on ACMG/AMP guidelines for variant interpretation (Richards S et al., PMID: 25741868), the clinical significance of this variant is uncertain at this time.